The following is an entry in ClinVar:

NM_005862.3(STAG1):c.1858A>G (p.Ile620Val)

Gene: STAG1 (STAG1 cohesin complex component; minus strand). Cytogenetic location: 3q22.3.
Variant type: single nucleotide variant.
Coding change: c.1858A>G on transcript NM_005862.3 (MANE Select); coding-DNA position 1858, A replaced by G.
Protein change: p.Ile620Val; replaces isoleucine 620 with valine.
Molecular consequence: missense variant.
Genome position (GRCh38, 1-based): chr3:136,422,589, T>C on the plus strand (A>G on the coding strand, the complement: STAG1 is on the minus strand). VCF-style: chr3-136422589-T-C. GRCh37 (hg19) VCF-style: chr3-136141431-T-C.
Other names: c.1858A>G (NM_005862.2); short protein forms I620V.
Identifiers: ClinVar variation 2775504 (VCV002775504.4), dbSNP rs1372671537, ClinGen allele CA354644290.
Genomic context (GRCh38, chr3:136,422,589, plus strand): 5'-AGGTTTTACTGCAGGCTTCTAGAACATCTGATTCTACGTGTTTCTCCACAACAAACTTAA[T>C]CTGTTTTAATAAAGCATCCAGATGCTGAGGAGACAAAAAAAGAAAAACTGTAATATTTAG-3'
Protein context (NP_005853.2, residues 610-630): EKHLDALLKQ[Ile620Val]KFVVEKHVES

ClinVar aggregate classification (germline): Uncertain significance. Review status: criteria provided, multiple submitters, no conflicts (2 of 4 stars). 2 submissions from 2 submitters: Uncertain significance (2). Last evaluated 2025-08-01.

Conditions:
Inborn genetic diseases. Identifiers: MedGen C0950123, MeSH D030342.

Allele frequency attached by ClinVar (database versions not stated): gnomAD 0.00001; gnomAD exomes 0.00001; TOPMed 0.00001.
gnomAD v4.1: 18 of 1,613,858 alleles (0.0011%); highest among the groups gnomAD compares: Non-Finnish European, 0.0014%; no homozygotes.

Submissions (2):

Ambry Genetics
Classification: Uncertain significance for Inborn genetic diseases. Last evaluated: 2025-08-01. Review status: criteria provided, single submitter. Criteria: Ambry Variant Classification Scheme 2023. Collection method: clinical testing. Allele origin: germline.

Labcorp Genetics (formerly Invitae), Labcorp
Classification: Uncertain significance. Last evaluated: 2022-11-26. Review status: criteria provided, single submitter. Criteria: Invitae Variant Classification Sherloc (09022015). Collection method: clinical testing. Allele origin: germline.
Comment: This variant is present in population databases (no rsID available, gnomAD 0.004%). This sequence change replaces isoleucine, which is neutral and non-polar, with valine, which is neutral and non-polar, at codon 620 of the STAG1 protein (p.Ile620Val). This variant has not been reported in the literature in individuals affected with STAG1-related conditions. Advanced modeling of protein sequence and biophysical properties (such as structural, functional, and spatial information, amino acid conservation, physicochemical variation, residue mobility, and thermodynamic stability) performed at Invitae indicates that this missense variant is not expected to disrupt STAG1 protein function. In summary, the available evidence is currently insufficient to determine the role of this variant in disease. Therefore, it has been classified as a Variant of Uncertain Significance.